The following is an entry in ClinVar:

ClinVar aggregate classification (germline): Benign/Likely benign. Review status: criteria provided, multiple submitters, no conflicts (2 of 4 stars). 9 submissions from 9 submitters: Benign (6); Likely benign (1). 2 of the submissions do not count toward it. Last evaluated 2026-01-28.

Conditions:
Usher syndrome type 2C. Also called: Usher syndrome, type 2B; USHER SYNDROME, TYPE IIC. Identifiers: Orphanet 231178, Orphanet 886, MedGen C2931213, MONDO:0011558, OMIM 605472.

Allele frequency attached by ClinVar (database versions not stated): gnomAD exomes 0.00023 and 0.00057; ExAC 0.00080; ESP Exome Variant Server 0.00221; gnomAD 0.00233 and 0.00245; TOPMed 0.00266; 1000 Genomes Project 0.00459; 1000 Genomes Project 30x 0.00515.
gnomAD v4.1: 686 of 1,563,782 alleles (0.044%); highest among the groups gnomAD compares: African/African-American, 0.86%; 7 homozygotes.

Submissions (9):

Labcorp Genetics (formerly Invitae), Labcorp
Classification: Benign. Last evaluated: 2026-01-28. Review status: criteria provided, single submitter. Criteria: Invitae Variant Classification Sherloc (09022015). Collection method: clinical testing. Allele origin: germline.

Illumina Laboratory Services, Illumina
Classification: Benign for Usher syndrome type 2C. Last evaluated: 2025-04-08. Review status: criteria provided, single submitter. Criteria: ICSLVariantClassificationCriteria RUGD 01 April 2020. Collection method: clinical testing. Allele origin: unknown.

Blueprint Genetics
Classification: Likely benign. Last evaluated: 2024-11-13. Review status: criteria provided, single submitter. Criteria: ACMG Guidelines, 2015. Collection method: clinical testing. Allele origin: germline.

GeneDx
Classification: Benign. Last evaluated: 2018-05-23. Review status: criteria provided, single submitter. Criteria: GeneDx Variant Classification (06012015). Collection method: clinical testing. Allele origin: germline. Affected: yes.
Comment: This variant is considered likely benign or benign based on one or more of the following criteria: it is a conservative change, it occurs at a poorly conserved position in the protein, it is predicted to be benign by multiple in silico algorithms, and/or has population frequency not consistent with disease.

Athena Diagnostics
Classification: Benign. Last evaluated: 2018-01-24. Review status: criteria provided, single submitter. Criteria: Athena Diagnostics Criteria. Collection method: clinical testing. Allele origin: germline.

Eurofins Ntd Llc (ga)
Classification: Benign. Last evaluated: 2016-06-13. Review status: criteria provided, single submitter. Criteria: EGL Classification Definitions 2015. Collection method: clinical testing. Allele origin: germline. Observed: 1 variant allele, 1 heterozygote.

Laboratory for Molecular Medicine, Mass General Brigham Personalized Medicine
Classification: Benign. Last evaluated: 2016-03-29. Review status: criteria provided, single submitter. Criteria: LMM Criteria. Collection method: clinical testing. Allele origin: germline. Observed: 3 variant alleles.
Comment: Thr1099Ala in Exon 18 of GPR98: This variant is not expected to have clinical si gnificance because it has been identified in 1.0% (83/8572) of African chromosom es by the Exome Aggregation Consortium (ExAC; db SNP rs61754947).

Clinical Genetics DNA and cytogenetics Diagnostics Lab, Erasmus MC, Erasmus Medical Center
Classification: Likely benign. Review status: no assertion criteria provided. Collection method: clinical testing. Allele origin: germline. Affected: yes. Study: VKGL Data-share Consensus. Not counted in ClinVar's aggregate classification.

Genome Diagnostics Laboratory, University Medical Center Utrecht
Classification: Likely benign. Review status: no assertion criteria provided. Collection method: clinical testing. Allele origin: germline. Affected: yes. Study: VKGL Data-share Consensus. Not counted in ClinVar's aggregate classification.

NM_032119.4(ADGRV1):c.3295A>G (p.Thr1099Ala)

Gene: ADGRV1 (adhesion G protein-coupled receptor V1; plus strand). Cytogenetic location: 5q14.3.
Variant type: single nucleotide variant.
Coding change: c.3295A>G on transcript NM_032119.4 (MANE Select); coding-DNA position 3295, A replaced by G.
Protein change: p.Thr1099Ala; replaces threonine 1099 with alanine.
Molecular consequence: missense variant. On other transcripts: non-coding transcript variant (1).
Genome position (GRCh38, 1-based): chr5:90,651,609, A>G. VCF-style: chr5-90651609-A-G. GRCh37 (hg19) VCF-style: chr5-89947426-A-G.
Other names: short protein forms T1099A.
Identifiers: ClinVar variation 226647 (VCV000226647.27), dbSNP rs61754947, ClinGen allele CA3339157.
Genomic context (GRCh38, chr5:90,651,609, plus strand): 5'-TTTACAGCAAGTTAGCTACTTCTTTGTTATTTTGTCTTTTCCACTTTTAATTTAGGTGAT[A>G]CAGTAGTATATCAATATGGAGTAGCTACAGTAATAATTGAAGCTAATGATGACCCAAATG-3'
Protein context (NP_115495.3, residues 1089-1109): YIILLNSTGD[Thr1099Ala]VVYQYGVATV